The following is an entry in ClinVar:

ClinVar aggregate classification (germline): Uncertain significance (1 of 4 stars; one submission).

Submission:

Labcorp Genetics (formerly Invitae), Labcorp
Classification: Uncertain significance. Last evaluated: 2022-02-11. Review status: criteria provided, single submitter. Criteria: Invitae Variant Classification Sherloc (09022015). Collection method: clinical testing. Allele origin: germline.
Comment: This variant is not present in population databases (gnomAD no frequency). This sequence change replaces arginine, which is basic and polar, with lysine, which is basic and polar, at codon 776 of the NLRP1 protein (p.Arg776Lys). Algorithms developed to predict the effect of missense changes on protein structure and function output the following: SIFT: "Tolerated"; PolyPhen-2: "Benign"; Align-GVGD: "Class C0". The lysine amino acid residue is found in multiple mammalian species, which suggests that this missense change does not adversely affect protein function. This variant has not been reported in the literature in individuals affected with NLRP1-related conditions. In summary, the available evidence is currently insufficient to determine the role of this variant in disease. Therefore, it has been classified as a Variant of Uncertain Significance.

NM_033004.4(NLRP1):c.2327G>A (p.Arg776Lys)

Gene: NLRP1 (NLR family pyrin domain containing 1; minus strand). Cytogenetic location: 17p13.2.
Variant type: single nucleotide variant.
Coding change: c.2327G>A on transcript NM_033004.4 (MANE Select); coding-DNA position 2327, G replaced by A.
Protein change: p.Arg776Lys; replaces arginine 776 with lysine.
Molecular consequence: missense variant.
Genome position (GRCh38, 1-based): chr17:5,558,369, C>T on the plus strand (G>A on the coding strand, the complement: NLRP1 is on the minus strand). VCF-style: chr17-5558369-C-T. GRCh37 (hg19) VCF-style: chr17-5461689-C-T.
Other names: c.2327G>A, p.Arg776Lys (NM_001033053.3, NM_014922.5, NM_033006.4 and 1 more transcripts); short protein forms R776K.
Identifiers: ClinVar variation 1498248 (VCV001498248.8), dbSNP rs2151801516, ClinGen allele CA397382275.